The following is an entry in ClinVar:

NM_001267550.2(TTN):c.41552_41553del (p.Thr13851fs)

Gene: TTN (titin; minus strand). Cytogenetic location: 2q31.2.
Variant type: Microsatellite.
Coding change: c.41552_41553del on transcript NM_001267550.2 (MANE Select); coding-DNA positions 41552 to 41553, 2 bases deleted (CA; older notation c.41552_41553delCA).
Protein change: p.Thr13851fs; shifts the reading frame from threonine 13851.
Molecular consequence: frameshift variant.
Genome position (GRCh38, 1-based): chr2:178,636,018-178,636,019, TG deleted on the plus strand (CA on the coding strand, the reverse complement: TTN is on the minus strand); deleting any 2 consecutive bases within chr2:178,636,018-178,636,022 gives the same sequence; the c. name uses the placement nearest the transcript's 3' end. VCF-style (leftmost placement, unchanged base first): chr2-178636017-CTG-C. GRCh37 (hg19) VCF-style: chr2-179500744-CTG-C.
Other names: c.36629_36630del, p.Thr12210fs (NM_001256850.1); c.14357_14358del, p.Thr4786fs (NM_003319.4); c.33848_33849del, p.Thr11283fs (NM_133378.4); c.14732_14733del, p.Thr4911fs (NM_133432.3); c.14933_14934del, p.Thr4978fs (NM_133437.4); short protein forms T4786fs, T4911fs, T4978fs, T11283fs, T13851fs, T12210fs.
Identifiers: ClinVar variation 4786581 (VCV004786581.1).

ClinVar aggregate classification (germline): Likely pathogenic (1 of 4 stars; one submission).

Conditions:
Autosomal recessive limb-girdle muscular dystrophy type 2J (LGMDR10). Also called: Limb-girdle muscular dystrophy, type 2J; MUSCULAR DYSTROPHY, LIMB-GIRDLE, AUTOSOMAL RECESSIVE 10. Identifiers: Orphanet 140922, MedGen C1837342, MONDO:0012127, OMIM 608807.
Dilated cardiomyopathy 1G (CMD1G). Identifiers: Orphanet 154, MedGen C1858763, MONDO:0011400, OMIM 604145.

Submission:

Labcorp Genetics (formerly Invitae), Labcorp
Classification: Likely pathogenic for Dilated cardiomyopathy 1G; Autosomal recessive limb-girdle muscular dystrophy type 2J. Last evaluated: 2025-11-01. Review status: criteria provided, single submitter. Criteria: Invitae Variant Classification Sherloc (09022015). Collection method: clinical testing. Allele origin: germline.
Comment: This sequence change creates a premature translational stop signal (p.Thr13851Serfs*22) in the TTN gene. While this is not anticipated to result in nonsense mediated decay, it is expected to create a truncated TTN protein. This variant is not present in population databases (gnomAD no frequency). This variant has not been reported in the literature in individuals affected with TTN-related conditions. This variant is located in the I band of TTN (PMID: 25589632). Truncating variants in this region have been reported in individuals affected with autosomal recessive centronuclear myopathy (PMID: 23975875, internal data). Truncating variants in this region have also been identified in individuals affected with autosomal dominant dilated cardiomyopathy and/or cardio-related conditions (PMID: 27869827, 32964742, internal data). In summary, the currently available evidence indicates that the variant is pathogenic, but additional data are needed to prove that conclusively. Therefore, this variant has been classified as Likely Pathogenic.

Literature cited by the submitters: PubMed 25589632; PubMed 23975875; PubMed 27869827; PubMed 32964742.